The following is an entry in ClinVar:

ClinVar aggregate classification (germline): Conflicting classifications of pathogenicity. Review status: criteria provided, conflicting classifications (1 of 4 stars). 2 submissions from 2 submitters: Uncertain significance (1); Likely benign (1). Last evaluated 2025-09-10.

Allele frequency attached by ClinVar (database versions not stated): ExAC 0.00003; gnomAD 0.00003; TOPMed 0.00005; gnomAD exomes 0.00010.
gnomAD v4.1: 145 of 1,614,046 alleles (0.009%); highest among the groups gnomAD compares: Non-Finnish European, 0.012%; no homozygotes.

Submissions (2):

Ambry Genetics
Classification: Uncertain significance. Last evaluated: 2025-09-10. Review status: criteria provided, single submitter. Criteria: Ambry Variant Classification Scheme 2023. Collection method: clinical testing. Allele origin: germline.

CeGaT Center for Human Genetics Tuebingen
Classification: Likely benign. Last evaluated: 2022-08-01. Review status: criteria provided, single submitter. Criteria: CeGaT Center For Human Genetics Tuebingen Variant Classification Criteria Version 2. Collection method: clinical testing. Allele origin: germline. Affected: yes. Observed: 1 variant allele.
Comment: ADCY7: BP4

NM_001114.5(ADCY7):c.178T>C (p.Ser60Pro)

Gene: ADCY7 (adenylate cyclase 7; plus strand). Cytogenetic location: 16q12.1.
Variant type: single nucleotide variant.
Coding change: c.178T>C on transcript NM_001114.5 (MANE Select); coding-DNA position 178, T replaced by C.
Protein change: p.Ser60Pro; replaces serine 60 with proline.
Molecular consequence: missense variant.
Genome position (GRCh38, 1-based): chr16:50,290,463, T>C. VCF-style: chr16-50290463-T-C. GRCh37 (hg19) VCF-style: chr16-50324374-T-C.
Other names: c.178T>C, p.Ser60Pro (NM_001286057.2); short protein forms S60P.
Identifiers: ClinVar variation 2515928 (VCV002515928.27), dbSNP rs760489717, ClinGen allele CA8048297.
Genomic context (GRCh38, chr16:50,290,463, plus strand): 5'-GGTGGCTCTGCACTGGGGAAAGCCGAGGCATTCCTGTCTGTTTGCTCCACCCAGGACCCC[T>C]CCAGACACCAGGCCATTCTGGGCATGGCGTTCCTGGTGCTGGCGGTGTTTGCGGCCCTCT-3'
Protein context (NP_001105.1, residues 50-70): IIIAFSQGDP[Ser60Pro]RHQAILGMAF